The following is an entry in ClinVar:

ClinVar aggregate classification (germline): Pathogenic/Likely pathogenic. Review status: criteria provided, multiple submitters, no conflicts (2 of 4 stars). 2 submissions from 2 submitters: Pathogenic (1); Likely pathogenic (1). Last evaluated 2021-12-22.

Conditions:
GM1 gangliosidosis. Identifiers: Orphanet 354, MedGen C0085131, MONDO:0018149.
Mucopolysaccharidosis, MPS-IV-B (MPS4B). Also called: MORQUIO SYNDROME B; Mucopolysaccharidosis Type IVB (Morquio B Disease); Mucopolysaccharidosis type 4B; Mucopolysaccharidosis type IVB (Morquio); MPS IVB; Mucopolysaccharidosis type IV B. Identifiers: Orphanet 309310, Orphanet 582, MedGen C0086652, MONDO:0009660, OMIM 253010.
GLB1-related disorder. Also called: GLB1-related disorders. Identifiers: MedGen CN377807.

Submissions (2):

Myriad Genetics, Inc.
Classification: Likely pathogenic for GLB1-related disorder. Last evaluated: 2021-12-22. Review status: criteria provided, single submitter. Criteria: Myriad Autosomal Dominant, Autosomal Recessive and X-Linked Classification Criteria (2023). Collection method: clinical testing. Allele origin: unknown.
Comment: NM_000404.2(GLB1):c.1142delA(K381Sfs*2) is expected to be pathogenic in the context of GLB1-related disorders. This variant is predicted to lead to an abnormal or absent protein product due to the creation of a premature termination codon in GLB1, a gene where loss-of-function variants are known to be pathogenic. Please note: this variant was assessed in the context of healthy population screening.

Labcorp Genetics (formerly Invitae), Labcorp
Classification: Pathogenic for Mucopolysaccharidosis, MPS-IV-B; GM1 gangliosidosis. Last evaluated: 2021-05-17. Review status: criteria provided, single submitter. Criteria: Invitae Variant Classification Sherloc (09022015). Collection method: clinical testing. Allele origin: germline.
Comment: For these reasons, this variant has been classified as Pathogenic. This variant has not been reported in the literature in individuals with GLB1-related conditions. This variant is not present in population databases (ExAC no frequency). This sequence change creates a premature translational stop signal (p.Lys381Serfs*2) in the GLB1 gene. It is expected to result in an absent or disrupted protein product. Loss-of-function variants in GLB1 are known to be pathogenic (PMID: 18524657).

Literature cited by the submitters: PubMed 18524657 (cited by Labcorp Genetics (formerly Invitae), Labcorp).

NM_000404.4(GLB1):c.1142del (p.Lys381fs)

Gene: GLB1 (galactosidase beta 1; minus strand). Cytogenetic location: 3p22.3.
Variant type: Deletion.
Coding change: c.1142del on transcript NM_000404.4 (MANE Select); coding-DNA position 1142, one base deleted (A; older notation c.1142delA).
Protein change: p.Lys381fs; shifts the reading frame from lysine 381.
Molecular consequence: frameshift variant.
Genome position (GRCh38, 1-based): chr3:33,024,252, T deleted on the plus strand (A on the coding strand, the reverse complement: GLB1 is on the minus strand); the first of 4 consecutive T bases (chr3:33,024,252-33,024,255); deleting any one gives the same sequence. VCF-style (leftmost placement, unchanged base first): chr3-33024251-CT-C. GRCh37 (hg19) VCF-style: chr3-33065743-CT-C.
Other names: c.1052del, p.Lys351fs (NM_001079811.3); c.749del, p.Lys250fs (NM_001135602.3); c.1286del, p.Lys429fs (NM_001317040.2); c.1142del, p.Lys381fs (NM_001393580.1); short protein forms K351fs, K381fs, K250fs, K429fs.
Identifiers: ClinVar variation 1454377 (VCV001454377.9), dbSNP rs2125478934, ClinGen allele CA2573136214.
Genomic context (GRCh38, chr3:33,024,251, plus strand): 5'-AATTCCACTTTCTCACTCCCATCTCTCACTTTCAAAGTTTCTGTTATTTTTTTTTCTTAC[CT>C]TTTCCAAAGTGACCTTTCCATATGCAAACTTTGGTGTAGATGGAGGGATAGGACCTTCTG-3'